The following is an entry in ClinVar:

NM_014846.4(WASHC5):c.863G>C (p.Trp288Ser)

Gene: WASHC5 (WASH complex subunit 5; minus strand). Cytogenetic location: 8q24.13.
Variant type: single nucleotide variant.
Coding change: c.863G>C on transcript NM_014846.4 (MANE Select); coding-DNA position 863, G replaced by C.
Protein change: p.Trp288Ser; replaces tryptophan 288 with serine.
Molecular consequence: missense variant.
Genome position (GRCh38, 1-based): chr8:125,076,349, C>G on the plus strand (G>C on the coding strand, the complement: WASHC5 is on the minus strand). VCF-style: chr8-125076349-C-G. GRCh37 (hg19) VCF-style: chr8-126088591-C-G.
Other names: c.419G>C, p.Trp140Ser (NM_001330609.2); short protein forms W288S, W140S.
Identifiers: ClinVar variation 933362 (VCV000933362.9), dbSNP rs1019440298, ClinGen allele CA185322391.

ClinVar aggregate classification (germline): Uncertain significance (1 of 4 stars; one submission).

Conditions:
Hereditary spastic paraplegia 8 (SPG8). Also called: SPASTIC PARAPLEGIA 8, AUTOSOMAL DOMINANT. Identifiers: Orphanet 100989, MedGen C1863704, MONDO:0011339, OMIM 603563.
Ritscher-Schinzel syndrome. Also called: CRANIOCEREBELLOCARDIAC DYSPLASIA. Identifiers: Orphanet 7, MedGen C0796137, MONDO:0019078.

Allele frequency attached by ClinVar (database versions not stated): TOPMed 0.00001; gnomAD 0.00001; gnomAD exomes 0.00001.
gnomAD v4.1: 7 of 1,613,448 alleles (0.00043%); highest among the groups gnomAD compares: Non-Finnish European, 0.00051%; no homozygotes.

Submission:

Labcorp Genetics (formerly Invitae), Labcorp
Classification: Uncertain significance for Ritscher-Schinzel syndrome; Hereditary spastic paraplegia 8. Last evaluated: 2022-06-04. Review status: criteria provided, single submitter. Criteria: Invitae Variant Classification Sherloc (09022015). Collection method: clinical testing. Allele origin: germline.
Comment: This sequence change replaces tryptophan, which is neutral and slightly polar, with serine, which is neutral and polar, at codon 288 of the WASHC5 protein (p.Trp288Ser). This variant is not present in population databases (gnomAD no frequency). This variant has not been reported in the literature in individuals affected with WASHC5-related conditions. ClinVar contains an entry for this variant (Variation ID: 933362). Algorithms developed to predict the effect of missense changes on protein structure and function are either unavailable or do not agree on the potential impact of this missense change (SIFT: "Deleterious"; PolyPhen-2: "Probably Damaging"; Align-GVGD: "Class C0"). In summary, the available evidence is currently insufficient to determine the role of this variant in disease. Therefore, it has been classified as a Variant of Uncertain Significance.